The following is an entry in ClinVar:

ClinVar aggregate classification (germline): Conflicting classifications of pathogenicity. Review status: criteria provided, conflicting classifications (1 of 4 stars). 8 submissions from 8 submitters: Uncertain significance (6); Likely benign (2). Last evaluated 2026-04-01.

Conditions:
APC-related disorder. Also called: APC-related condition.
Classic or attenuated familial adenomatous polyposis. Identifiers: MedGen CN372698, MONDO:0021057.
Hereditary cancer-predisposing syndrome. Also called: Neoplastic Syndromes, Hereditary; Tumor predisposition; Hereditary Cancer Syndrome; Hereditary neoplastic syndrome. Identifiers: Orphanet 140162, MedGen C0027672, MeSH D009386, MONDO:0015356.
Familial adenomatous polyposis 1 (FAP1). Also called: FAMILIAL ADENOMATOUS POLYPOSIS 1, ATTENUATED; POLYPOSIS, ADENOMATOUS INTESTINAL. Identifiers: MedGen C2713442, MONDO:0021056, OMIM 175100. Disease mechanism: loss of function.

Allele frequency attached by ClinVar (database versions not stated): gnomAD exomes below 0.00001 and 0.00001; ExAC 0.00001; TOPMed 0.00001; gnomAD 0.00003.
gnomAD v4.1: 8 of 1,614,110 alleles (0.0005%); highest among the groups gnomAD compares: African/African-American, 0.004%; no homozygotes.

Submissions (8):

PreventionGenetics, part of Exact Sciences
Classification: Uncertain significance for APC-related condition. Last evaluated: 2026-04-01. Review status: criteria provided, single submitter. Criteria: ACMG Guidelines, 2015. Collection method: clinical testing. Allele origin: germline.
Comment: The APC c.2485A>G variant is predicted to result in the amino acid substitution p.Thr829Ala. To our knowledge, this variant has not been reported in the literature. This variant is reported in 0.0040% of alleles in individuals of African descent in gnomAD. This variant has conflicting classifications in ClinVar, ranging from uncertain to likely benign (Variation ID: 232173). At this time, the clinical significance of this variant is uncertain due to the absence of conclusive functional and genetic evidence.

Labcorp Genetics (formerly Invitae), Labcorp
Classification: Uncertain significance for Familial adenomatous polyposis 1. Last evaluated: 2025-11-13. Review status: criteria provided, single submitter. Criteria: Invitae Variant Classification Sherloc (09022015). Collection method: clinical testing. Allele origin: germline.
Comment: This sequence change replaces threonine, which is neutral and polar, with alanine, which is neutral and non-polar, at codon 829 of the APC protein (p.Thr829Ala). This variant is present in population databases (rs768810807, gnomAD 0.004%). This variant has not been reported in the literature in individuals affected with APC-related conditions. ClinVar contains an entry for this variant (Variation ID: 232173). Invitae Evidence Modeling of protein sequence and biophysical properties (such as structural, functional, and spatial information, amino acid conservation, physicochemical variation, residue mobility, and thermodynamic stability) indicates that this missense variant is not expected to disrupt APC protein function with a negative predictive value of 95%. In summary, the available evidence is currently insufficient to determine the role of this variant in disease. Therefore, it has been classified as a Variant of Uncertain Significance.

Ambry Genetics
Classification: Likely benign for Hereditary cancer-predisposing syndrome. Last evaluated: 2025-10-02. Review status: criteria provided, single submitter. Criteria: Ambry Variant Classification Scheme 2023. Collection method: clinical testing. Allele origin: germline.

Color Diagnostics, LLC DBA Color Health
Classification: Likely benign for Hereditary cancer-predisposing syndrome. Last evaluated: 2025-01-13. Review status: criteria provided, single submitter. Criteria: ACMG Guidelines, 2015. Collection method: clinical testing. Allele origin: germline.

Baylor Genetics
Classification: Uncertain significance for Familial adenomatous polyposis 1. Last evaluated: 2024-03-11. Review status: criteria provided, single submitter. Criteria: ACMG Guidelines, 2015. Collection method: clinical testing. Allele origin: unknown.

GeneDx
Classification: Uncertain significance. Last evaluated: 2023-07-03. Review status: criteria provided, single submitter. Criteria: GeneDx Variant Classification Process June 2021. Collection method: clinical testing. Allele origin: germline. Affected: yes.
Comment: Not observed at significant frequency in large population cohorts (gnomAD); In silico analysis supports that this missense variant does not alter protein structure/function; Has not been previously published as pathogenic or benign to our knowledge; This variant is associated with the following publications: (PMID: 24293293)

All of Us Research Program, National Institutes of Health
Classification: Uncertain significance for Classic or attenuated familial adenomatous polyposis. Last evaluated: 2023-03-28. Review status: criteria provided, single submitter. Criteria: ACMG Guidelines, 2015. Collection method: clinical testing. Allele origin: germline. Inheritance: Autosomal dominant inheritance. Observed: 1 variant allele, 1 heterozygote.
Comment: This missense variant replaces threonine with alanine at codon 829 of the APC protein. Computational prediction suggests that this variant may not impact protein structure and function (internally defined REVEL score threshold <= 0.5, PMID: 27666373). To our knowledge, functional studies have not been reported for this variant. This variant has not been reported in individuals affected with hereditary cancer in the literature. This variant has been identified in 3/282462 chromosomes in the general population by the Genome Aggregation Database (gnomAD). The available evidence is insufficient to determine the role of this variant in disease conclusively. Therefore, this variant is classified as a Variant of Uncertain Significance.

This study involves interpretation of variants in research participants for the purpose of population health screening. Participant phenotype was not available at the time of variant classification. Additional details can be found in publication PMID: 35346344, PMCID: PMC8962531

Quest Diagnostics Nichols Institute San Juan Capistrano
Classification: Uncertain significance. Last evaluated: 2017-03-09. Review status: criteria provided, single submitter. Criteria: Quest Diagnostics criteria. Collection method: clinical testing. Allele origin: germline.

NM_000038.6(APC):c.2485A>G (p.Thr829Ala)

Gene: APC (APC regulator of Wnt signaling pathway; plus strand). Cytogenetic location: 5q22.2.
Variant type: single nucleotide variant.
Coding change: c.2485A>G on transcript NM_000038.6 (MANE Select); coding-DNA position 2485, A replaced by G.
Protein change: p.Thr829Ala; replaces threonine 829 with alanine.
Molecular consequence: missense variant.
Genome position (GRCh38, 1-based): chr5:112,838,079, A>G. VCF-style: chr5-112838079-A-G. GRCh37 (hg19) VCF-style: chr5-112173776-A-G.
Other names: c.2485A>G, p.Thr829Ala (NM_001127510.3, NM_001354895.2); c.2431A>G, p.Thr811Ala (NM_001127511.3); c.2539A>G, p.Thr847Ala (NM_001354896.2); c.2515A>G, p.Thr839Ala (NM_001354897.2); c.2410A>G, p.Thr804Ala (NM_001354898.2); c.2401A>G, p.Thr801Ala (NM_001354899.2); c.2362A>G, p.Thr788Ala (NM_001354900.2); c.2308A>G, p.Thr770Ala (NM_001354901.2); and 5 more; short protein forms T811A, T829A, T546A, T839A, T847A, T669A, T788A, T801A.
Identifiers: ClinVar variation 232173 (VCV000232173.30), dbSNP rs768810807, ClinGen allele CA032276.
Genomic context (GRCh38, chr5:112,838,079, plus strand): 5'-AATAGGTCAGACAATTTTAATACTGGCAACATGACTGTCCTTTCACCATATTTGAATACT[A>G]CAGTGTTACCCAGCTCCTCTTCATCAAGAGGAAGCTTAGATAGTTCTCGTTCTGAAAAAG-3'
Protein context (NP_000029.2, residues 819-839): MTVLSPYLNT[Thr829Ala]VLPSSSSSRG